The following is an entry in ClinVar:

Multiple alleles

Variant type: Haplotype.
Identifiers: ClinVar variation 801021 (VCV000801021.6).

ClinVar aggregate classification (germline): Affects (0 of 4 stars; one submission).

Conditions:
Rheumatoid arthritis (RA). Also called: RHEUMATOID ARTHRITIS, SUSCEPTIBILITY TO. Identifiers: MedGen C0003873, MONDO:0008383, OMIM 180300, HP:0001370.

Submission:

Centro Nacional de Biotecnologia, Consejo Superior de Investigaciones Cientificas
Classification: Affects for Rheumatoid arthritis. Last evaluated: 2019-11-30. Review status: no assertion criteria provided. Collection method: research. Allele origin: not applicable. Inheritance: Autosomal recessive inheritance. Functional consequence: effect on RNA abundance.
Comment: Using four independent cohorts of arthritic patients, we identified an inverse correlation between SOCS1 mRNA expression and disease activity. Lower baseline SOCS1 levels were associated with poorer disease control. In vitro expression assays indicated that the minor allele of rs4780355 correlated with reduced SOCS1 expression, supporting a functional relationship between this SNP and disease progression, but only when the microsatellite 3x(TTTTC) is cis-acting.